The following is an entry in ClinVar:

ClinVar aggregate classification (germline): Uncertain significance (1 of 4 stars; one submission).

Conditions:
2-aminoadipic 2-oxoadipic aciduria (AAKAD). Also called: ALPHA-AMINOADIPIC AND ALPHA-KETOADIPIC ACIDURIA; Aminoadipic aciduria. Identifiers: Orphanet 79154, MedGen C1859817, MONDO:0008774, OMIM 204750.

gnomAD v4.1: 1 of 1,614,208 alleles (0.000062%); highest among the groups gnomAD compares: Non-Finnish European, 0.000085%; no homozygotes.

Submission:

Labcorp Genetics (formerly Invitae), Labcorp
Classification: Uncertain significance for 2-aminoadipic 2-oxoadipic aciduria. Last evaluated: 2023-10-15. Review status: criteria provided, single submitter. Criteria: Invitae Variant Classification Sherloc (09022015). Collection method: clinical testing. Allele origin: germline.
Comment: This sequence change replaces glycine, which is neutral and non-polar, with aspartic acid, which is acidic and polar, at codon 671 of the DHTKD1 protein (p.Gly671Asp). This variant is not present in population databases (gnomAD no frequency). This variant has not been reported in the literature in individuals affected with DHTKD1-related conditions. Advanced modeling of protein sequence and biophysical properties (such as structural, functional, and spatial information, amino acid conservation, physicochemical variation, residue mobility, and thermodynamic stability) performed at Invitae indicates that this missense variant is expected to disrupt DHTKD1 protein function. In summary, the available evidence is currently insufficient to determine the role of this variant in disease. Therefore, it has been classified as a Variant of Uncertain Significance.

NM_018706.7(DHTKD1):c.2012G>A (p.Gly671Asp)

Gene: DHTKD1 (dehydrogenase E1 and transketolase domain containing 1; plus strand). Cytogenetic location: 10p14.
Variant type: single nucleotide variant.
Coding change: c.2012G>A on transcript NM_018706.7 (MANE Select); coding-DNA position 2012, G replaced by A.
Protein change: p.Gly671Asp; replaces glycine 671 with aspartic acid.
Molecular consequence: missense variant.
Genome position (GRCh38, 1-based): chr10:12,106,361, G>A. VCF-style: chr10-12106361-G-A. GRCh37 (hg19) VCF-style: chr10-12148360-G-A.
Other names: short protein forms G671D.
Identifiers: ClinVar variation 2768616 (VCV002768616.3), dbSNP rs2491503898, ClinGen allele CA376011630.